The following is an entry in ClinVar:

ClinVar aggregate classification (germline): Uncertain significance (1 of 4 stars; one submission).

Conditions:
Multiple sulfatase deficiency (MSD). Also called: Mucosulfatidosis; Multiple Sulfatase Deficiency Disease; Sulfatidosis, Juvenile, Austin Type. Identifiers: Orphanet 585, MedGen C0268263, MONDO:0010088, OMIM 272200.

Allele frequency attached by ClinVar (database versions not stated): gnomAD exomes 0.00002.
gnomAD v4.1: 11 of 1,562,702 alleles (0.0007%); highest among the groups gnomAD compares: East Asian, 0.012%; no homozygotes.

Submission:

Labcorp Genetics (formerly Invitae), Labcorp
Classification: Uncertain significance for Multiple sulfatase deficiency. Last evaluated: 2022-08-09. Review status: criteria provided, single submitter. Criteria: Invitae Variant Classification Sherloc (09022015). Collection method: clinical testing. Allele origin: germline.
Comment: This sequence change replaces alanine, which is neutral and non-polar, with glutamic acid, which is acidic and polar, at codon 47 of the SUMF1 protein (p.Ala47Glu). This variant is present in population databases (no rsID available, gnomAD 0.01%). This variant has not been reported in the literature in individuals affected with SUMF1-related conditions. ClinVar contains an entry for this variant (Variation ID: 1440237). Algorithms developed to predict the effect of missense changes on protein structure and function (SIFT, PolyPhen-2, Align-GVGD) all suggest that this variant is likely to be tolerated. In summary, the available evidence is currently insufficient to determine the role of this variant in disease. Therefore, it has been classified as a Variant of Uncertain Significance.

NM_182760.4(SUMF1):c.140C>A (p.Ala47Glu)

Genes: SUMF1 (sulfatase modifying factor 1; minus strand), LOC129936056 (ATAC-STARR-seq lymphoblastoid silent region 14016; plus strand). Cytogenetic location: 3p26.1.
Variant type: single nucleotide variant.
Coding change: c.140C>A on transcript NM_182760.4 (MANE Select); coding-DNA position 140, C replaced by A.
Protein change: p.Ala47Glu; replaces alanine 47 with glutamic acid.
Molecular consequence: missense variant.
Genome position (GRCh38, 1-based): chr3:4,467,106, G>T on the plus strand (C>A on the coding strand, the complement: SUMF1 is on the minus strand). VCF-style: chr3-4467106-G-T. GRCh37 (hg19) VCF-style: chr3-4508790-G-T.
Other names: c.140C>A, p.Ala47Glu (NM_001164674.2, NM_001164675.2); short protein forms A47E.
Identifiers: ClinVar variation 1440237 (VCV001440237.3), dbSNP rs779961693, ClinGen allele CA351794341.